The following is an entry in ClinVar:

NM_004304.5(ALK):c.4331_4343del (p.Leu1444fs)

Gene: ALK (ALK receptor tyrosine kinase; minus strand). Cytogenetic location: 2p23.2.
Variant type: Deletion.
Coding change: c.4331_4343del on transcript NM_004304.5 (MANE Select); coding-DNA positions 4331 to 4343, 13 bases deleted (TGCCTACCACCTC).
Protein change: p.Leu1444fs; shifts the reading frame from leucine 1444.
Molecular consequence: frameshift variant.
Genome position (GRCh38, 1-based): chr2:29,193,744-29,193,756, GAGGTGGTAGGCA deleted on the plus strand (TGCCTACCACCTC on the coding strand, the reverse complement: ALK is on the minus strand); deleting any 13 consecutive bases within chr2:29,193,744-29,193,764 gives the same sequence; the c. name uses the placement nearest the transcript's 3' end. VCF-style (leftmost placement, unchanged base first): chr2-29193743-GGAGGTGGTAGGCA-G. GRCh37 (hg19) VCF-style: chr2-29416609-GGAGGTGGTAGGCA-G.
Other names: c.1127_1139del, p.Leu376fs (NM_001353765.2); short protein forms L1444fs, L376fs.
Identifiers: ClinVar variation 2900304 (VCV002900304.3), dbSNP rs776665264, ClinGen allele CA1593594.

ClinVar aggregate classification (germline): Uncertain significance (1 of 4 stars; one submission).

Conditions:
Neuroblastoma, susceptibility to, 3. Also called: ALK-Related Neuroblastic Tumor Susceptibility. Identifiers: Orphanet 635, MedGen C2751681, MONDO:0013083, OMIM 613014.

Submission:

Labcorp Genetics (formerly Invitae), Labcorp
Classification: Uncertain significance for Neuroblastoma, susceptibility to, 3. Last evaluated: 2023-12-06. Review status: criteria provided, single submitter. Criteria: Invitae Variant Classification Sherloc (09022015). Collection method: clinical testing. Allele origin: germline.
Comment: This sequence change creates a premature translational stop signal (p.Leu1444Profs*29) in the ALK gene. While this is not anticipated to result in nonsense mediated decay, it is expected to disrupt the last 177 amino acid(s) of the ALK protein. This variant is present in population databases (rs776665264, gnomAD 0.004%). This variant has not been reported in the literature in individuals affected with ALK-related conditions. Experimental studies and prediction algorithms are not available or were not evaluated, and the functional significance of this variant is currently unknown. In summary, the available evidence is currently insufficient to determine the role of this variant in disease. Therefore, it has been classified as a Variant of Uncertain Significance.